The following is an entry in ClinVar:

ClinVar aggregate classification (germline): Likely pathogenic (1 of 4 stars; one submission).

Conditions:
Cohen syndrome (COH1). Also called: PEPPER SYNDROME; Cutis verticis gyrata, retinitis pigmentosa, and sensorineural deafness. Identifiers: Orphanet 193, MedGen C0265223, MONDO:0008999, OMIM 216550.

Submission:

Natera, Inc.
Classification: Likely pathogenic for Cohen syndrome. Last evaluated: 2025-08-15. Review status: criteria provided, single submitter. Criteria: Natera Variant Classification Schema (03/2026). Collection method: clinical testing. Allele origin: germline.
Comment: The c.241dup variant in VPS13B is a frameshift variant predicted to shift the reading frame beginning at codon 81 and leads to a stop codon 13 codons downstream. This variant is expected to result in nonsense mediated decay, truncation, or a dysfunctional protein product. This variant is rare in the general population with a frequency below the threshold expected for the associated phenotype(s). Given the available evidence, this variant is classified as Likely Pathogenic.

NM_152564.5(VPS13B):c.241dup (p.Ile81fs)

Gene: VPS13B (vacuolar protein sorting 13 homolog B; plus strand). Cytogenetic location: 8q22.2.
Variant type: Duplication.
Coding change: c.241dup on transcript NM_152564.5 (MANE Select); coding-DNA position 241, one base duplicated (A; older notation c.241dupA).
Protein change: p.Ile81fs; shifts the reading frame from isoleucine 81.
Molecular consequence: frameshift variant. On other transcripts: non-coding transcript variant (1).
Genome position (GRCh38, 1-based): chr8:99,038,516, A duplicated; the last of 2 consecutive A bases (chr8:99,038,515-99,038,516); duplicating either gives the same sequence. VCF-style (leftmost placement, unchanged base first): chr8-99038514-T-TA. GRCh37 (hg19) VCF-style: chr8-100050742-T-TA.
Other names: c.241dup, p.Ile81fs (NM_015243.3, NM_017890.5, NM_181661.3); short protein forms I81fs.
Identifiers: ClinVar variation 4815940 (VCV004815940.1).